The following is an entry in ClinVar:

NM_001034116.2(EIF2B4):c.806del (p.Leu269fs)

Genes: EIF2B4 (eukaryotic translation initiation factor 2B subunit delta; minus strand), GTF3C2-AS2 (GTF3C2 antisense RNA 2; plus strand). Cytogenetic location: 2p23.3.
Variant type: Deletion.
Coding change: c.806del on transcript NM_001034116.2 (MANE Select); coding-DNA position 806, one base deleted (T; older notation c.806delT).
Protein change: p.Leu269fs; shifts the reading frame from leucine 269.
Molecular consequence: frameshift variant.
Genome position (GRCh38, 1-based): chr2:27,367,536, A deleted on the plus strand (T on the coding strand, the reverse complement: EIF2B4 is on the minus strand). VCF-style (leftmost placement, unchanged base first): chr2-27367535-CA-C. GRCh37 (hg19) VCF-style: chr2-27590402-CA-C.
Other names: c.869del, p.Leu290fs (NM_001318965.2); c.761del, p.Leu254fs (NM_001318966.2); c.713del, p.Leu238fs (NM_001318967.2); c.221del, p.Leu74fs (NM_001318968.2); c.188del, p.Leu63fs (NM_001318969.2); c.803del, p.Leu268fs (NM_015636.4); c.866del, p.Leu289fs (NM_172195.4); short protein forms L269fs, L238fs, L268fs, L290fs, L254fs, L63fs, L289fs, L74fs.
Identifiers: ClinVar variation 2119151 (VCV002119151.4), dbSNP rs2465509980, ClinGen allele CA2576981003.

ClinVar aggregate classification (germline): Pathogenic (1 of 4 stars; one submission).

Submission:

Labcorp Genetics (formerly Invitae), Labcorp
Classification: Pathogenic. Last evaluated: 2024-10-07. Review status: criteria provided, single submitter. Criteria: Invitae Variant Classification Sherloc (09022015). Collection method: clinical testing. Allele origin: germline.
Comment: This sequence change creates a premature translational stop signal (p.Leu268Argfs*46) in the EIF2B4 gene. It is expected to result in an absent or disrupted protein product. Loss-of-function variants in EIF2B4 are known to be pathogenic (PMID: 11835386, 15776425, 16807905). This variant is not present in population databases (gnomAD no frequency). This variant has not been reported in the literature in individuals affected with EIF2B4-related conditions. ClinVar contains an entry for this variant (Variation ID: 2119151). For these reasons, this variant has been classified as Pathogenic.

Literature cited by the submitters: PubMed 11835386; PubMed 15776425; PubMed 16807905.